The following is an entry in ClinVar:

ClinVar aggregate classification (germline): Uncertain significance. Review status: criteria provided, multiple submitters, no conflicts (2 of 4 stars). 2 submissions from 2 submitters: Uncertain significance (2). Last evaluated 2026-04-23.

gnomAD v4.1: 8 of 1,612,864 alleles (0.0005%); highest among the groups gnomAD compares: African/African-American, 0.0027%; no homozygotes.

Submissions (2):

GeneDx
Classification: Uncertain significance. Last evaluated: 2026-04-23. Review status: criteria provided, single submitter. Criteria: GeneDx Variant Classification Process June 2021. Collection method: clinical testing. Allele origin: germline.
Comment: Not observed at significant frequency in large population cohorts (gnomAD); In silico analysis supports that this missense variant has a deleterious effect on protein structure/function; Has not been previously published as pathogenic or benign to our knowledge

Labcorp Genetics (formerly Invitae), Labcorp
Classification: Uncertain significance. Last evaluated: 2025-09-23. Review status: criteria provided, single submitter. Criteria: Invitae Variant Classification Sherloc (09022015). Collection method: clinical testing. Allele origin: germline.
Comment: This sequence change replaces arginine, which is basic and polar, with glutamine, which is neutral and polar, at codon 177 of the COL11A2 protein (p.Arg177Gln). This variant is present in population databases (no rsID available, gnomAD 0.01%). This variant has not been reported in the literature in individuals affected with COL11A2-related conditions. ClinVar contains an entry for this variant (Variation ID: 3671471). Invitae Evidence Modeling of protein sequence and biophysical properties (such as structural, functional, and spatial information, amino acid conservation, physicochemical variation, residue mobility, and thermodynamic stability) indicates that this missense variant is not expected to disrupt COL11A2 protein function with a negative predictive value of 95%. In summary, the available evidence is currently insufficient to determine the role of this variant in disease. Therefore, it has been classified as a Variant of Uncertain Significance.

NM_080680.3(COL11A2):c.530G>A (p.Arg177Gln)

Gene: COL11A2 (collagen type XI alpha 2 chain; minus strand). Cytogenetic location: 6p21.32.
Variant type: single nucleotide variant.
Coding change: c.530G>A on transcript NM_080680.3 (MANE Select); coding-DNA position 530, G replaced by A.
Protein change: p.Arg177Gln; replaces arginine 177 with glutamine.
Molecular consequence: missense variant. On other transcripts: 5 prime UTR variant (3), non-coding transcript variant (1).
Genome position (GRCh38, 1-based): chr6:33,188,438, C>T on the plus strand (G>A on the coding strand, the complement: COL11A2 is on the minus strand). VCF-style: chr6-33188438-C-T. GRCh37 (hg19) VCF-style: chr6-33156215-C-T.
Other names: c.530G>A, p.Arg177Gln (NM_001163771.2, NM_001424108.1, NM_080679.3 and 1 more transcripts); c.-317G>A (NM_001424109.1, NM_001424110.1, NM_001424111.1); c.530G>A (NM_080680.2); short protein forms R177Q.
Identifiers: ClinVar variation 3671471 (VCV003671471.3).